The following is an entry in ClinVar:

NM_020297.4(ABCC9):c.4322T>C (p.Val1441Ala)

Genes: KCNJ8-AS1 (KCNJ8 antisense RNA 1; plus strand), ABCC9 (ATP binding cassette subfamily C member 9; minus strand). Cytogenetic location: 12p12.1.
Variant type: single nucleotide variant.
Coding change: c.4322T>C on transcript NM_020297.4 (MANE Select); coding-DNA position 4322, T replaced by C.
Protein change: p.Val1441Ala; replaces valine 1441 with alanine.
Molecular consequence: missense variant.
Genome position (GRCh38, 1-based): chr12:21,807,473, A>G on the plus strand (T>C on the coding strand, the complement: ABCC9 is on the minus strand). VCF-style: chr12-21807473-A-G. GRCh37 (hg19) VCF-style: chr12-21960407-A-G.
Other names: c.4322T>C, p.Val1441Ala (NM_001377273.1, NM_005691.4); c.3455T>C, p.Val1152Ala (NM_001377274.1); short protein forms V1152A, V1441A.
Identifiers: ClinVar variation 1371022 (VCV001371022.6), dbSNP rs140448278, ClinGen allele CA6480876.
Genomic context (GRCh38, chr12:21,807,473, plus strand): 5'-CTGGCAAGGCAAAATAGCTGTCTCTGTCCAACGCTAAAATTCTCCCCACCTTCAGTGACA[A>G]CCGCATCTAAATCAGAGAAAGAAGCAAGGATTTCACTAAAGAAATGCTACTAACATTTAC-3'
Protein context (NP_064693.2, residues 1431-1451): VKSLPGGLDA[Val1441Ala]VTEGGENFSV

ClinVar aggregate classification (germline): Uncertain significance (1 of 4 stars; one submission).

Conditions:
Dilated cardiomyopathy 1O (CMD1O). Also called: CARDIOMYOPATHY, DILATED, WITH VENTRICULAR TACHYCARDIA. Identifiers: Orphanet 154, MedGen C1837839, MONDO:0012062, OMIM 608569.

Allele frequency attached by ClinVar (database versions not stated): gnomAD exomes below 0.00001 and 0.00001; ExAC 0.00001; ESP Exome Variant Server 0.00008.
gnomAD v4.1: 1 of 1,613,826 alleles (0.000062%); highest among the groups gnomAD compares: Non-Finnish European, 0.000085%; no homozygotes.

Submission:

Labcorp Genetics (formerly Invitae), Labcorp
Classification: Uncertain significance for Dilated cardiomyopathy 1O. Last evaluated: 2021-07-30. Review status: criteria provided, single submitter. Criteria: Invitae Variant Classification Sherloc (09022015). Collection method: clinical testing. Allele origin: germline.
Comment: In summary, the available evidence is currently insufficient to determine the role of this variant in disease. Therefore, it has been classified as a Variant of Uncertain Significance. Algorithms developed to predict the effect of missense changes on protein structure and function (SIFT, PolyPhen-2, Align-GVGD) all suggest that this variant is likely to be tolerated. This variant has not been reported in the literature in individuals affected with ABCC9-related conditions. This variant is present in population databases (rs140448278, ExAC 0.002%). This sequence change replaces valine with alanine at codon 1441 of the ABCC9 protein (p.Val1441Ala). The valine residue is weakly conserved and there is a small physicochemical difference between valine and alanine.